The following is an entry in ClinVar:

NM_007199.3(IRAK3):c.468A>G (p.Gln156=)

Gene: IRAK3 (interleukin 1 receptor associated kinase 3; plus strand). Cytogenetic location: 12q14.3.
Variant type: single nucleotide variant.
Coding change: c.468A>G on transcript NM_007199.3 (MANE Select); coding-DNA position 468, A replaced by G.
Protein change: p.Gln156=; no amino-acid change (glutamine 156 retained).
Molecular consequence: synonymous variant.
Genome position (GRCh38, 1-based): chr12:66,211,477, A>G. VCF-style: chr12-66211477-A-G. GRCh37 (hg19) VCF-style: chr12-66605257-A-G.
Other names: NC_000012.11:g.66605257A>G; c.285A>G, p.Gln95= (NM_001142523.2).
Identifiers: ClinVar variation 717008 (VCV000717008.7), dbSNP rs138190862, ClinGen allele CA6672659.

ClinVar aggregate classification (germline): Benign. Review status: criteria provided, multiple submitters, no conflicts (2 of 4 stars). 3 submissions from 3 submitters: Benign (2). 1 of the submissions does not count toward it. Last evaluated 2018-04-24.

Conditions:
IRAK3-related disorder. Also called: IRAK3-related condition.

Allele frequency attached by ClinVar (database versions not stated): ESP Exome Variant Server 0.00231; TOPMed 0.00234; gnomAD 0.00242 and 0.00220; gnomAD exomes 0.00021 and 0.00050; ExAC 0.00059; 1000 Genomes Project 0.00140; 1000 Genomes Project 30x 0.00187.
gnomAD v4.1: 654 of 1,602,414 alleles (0.041%); highest among the groups gnomAD compares: African/African-American, 0.79%; 4 homozygotes.

Submissions (6):

Labcorp Genetics (formerly Invitae), Labcorp
Classification: Benign. Last evaluated: 2018-04-24. Review status: criteria provided, single submitter. Criteria: Invitae Variant Classification Sherloc (09022015). Collection method: clinical testing. Allele origin: germline.

Breakthrough Genomics
Classification: Benign. Review status: criteria provided, single submitter. Criteria: ACMG Guidelines, 2015. Collection method: not provided. Allele origin: germline. Inheritance: Unknown mechanism. Affected: yes.

PreventionGenetics, part of Exact Sciences
Classification: Benign for IRAK3-related condition. Last evaluated: 2020-01-03. Review status: no assertion criteria provided. Collection method: clinical testing. Allele origin: germline. Not counted in ClinVar's aggregate classification.
Comment: This variant is classified as benign based on ACMG/AMP sequence variant interpretation guidelines (Richards et al. 2015 PMID: 25741868, with internal and published modifications).

Dr. Peter K. Rogan Lab, Western University
No classification provided (evidence only). Condition: Familial cancer of breast. Review status: no classification provided. Collection method: in vitro. Allele origin: not applicable. Functional consequence: retained intron. Not counted in ClinVar's aggregate classification.

Dr. Peter K. Rogan Lab, Western University
No classification provided (evidence only). Condition: Acute myeloid leukemia. Review status: no classification provided. Collection method: in vitro. Allele origin: not applicable. Functional consequence: retained intron. Not counted in ClinVar's aggregate classification.

Dr. Peter K. Rogan Lab, Western University
No classification provided (evidence only). Condition: Ovarian serous cystadenocarcinoma. Review status: no classification provided. Collection method: in vitro. Allele origin: not applicable. Functional consequence: retained intron. Not counted in ClinVar's aggregate classification.